The following is an entry in ClinVar:

ClinVar aggregate classification (germline): Likely pathogenic (1 of 4 stars; one submission).

Conditions:
SKIN/HAIR/EYE PIGMENTATION 5, BLACK/NONBLACK HAIR (SHEP5). Also called: SKIN/HAIR/EYE PIGMENTATION, VARIATION IN, 5; SKIN/HAIR/EYE PIGMENTATION 5, DARK/FAIR SKIN; SKIN/HAIR/EYE PIGMENTATION 5, DARK/LIGHT EYES. Identifiers: MedGen C2673584, OMIM 227240.
Oculocutaneous albinism type 4 (OCA4). Also called: Albinism, oculocutaneous, type IV. Identifiers: Orphanet 79435, MedGen C1847836, MONDO:0011683, OMIM 606574.

Submission:

Laboratory of Genetic Epidemiology, Research Centre for Medical Genetics
Classification: Likely pathogenic for SKIN/HAIR/EYE PIGMENTATION 5, BLACK/NONBLACK HAIR; Oculocutaneous albinism type 4. Last evaluated: 2025-01-01. Review status: criteria provided, single submitter. Criteria: ACMG Guidelines, 2015. Collection method: clinical testing. Allele origin: paternal. Inheritance: Autosomal recessive inheritance. Affected: yes. Observed: 1 compound heterozygote.
Comment: This variant has not been previously reported in the literature and is not listed in gnomAD v3.1.2. The affected amino acid position is evolutionarily conserved, and located in the topological domain of SLC45A2. The variant NM_016180.4:c.110T>A, р.(Met37Lys) may disrupt the protein's spatial structure in this region, impairing its function in ion transport to melanosomes. Multiple in silico prediction tools support a deleterious effect. Taken together, the variant meets the following ACMG/AMP criteria and can be classified as likely pathogenic with PM2, PP3, PM3, PP4 criteria.

Literature cited by the submitters: PubMed 41428507.

NM_016180.5(SLC45A2):c.110T>A (p.Met37Lys)

Gene: SLC45A2 (solute carrier family 45 member 2; minus strand). Cytogenetic location: 5p13.2.
Variant type: single nucleotide variant.
Coding change: c.110T>A on transcript NM_016180.5 (MANE Select); coding-DNA position 110, T replaced by A.
Protein change: p.Met37Lys; replaces methionine 37 with lysine.
Molecular consequence: missense variant.
Genome position (GRCh38, 1-based): chr5:33,984,474, A>T on the plus strand (T>A on the coding strand, the complement: SLC45A2 is on the minus strand). VCF-style: chr5-33984474-A-T. GRCh37 (hg19) VCF-style: chr5-33984579-A-T.
Other names: c.110T>A, p.Met37Lys (NM_001012509.4, NM_001297417.4); short protein forms M37K.
Identifiers: ClinVar variation 4077127 (VCV004077127.1).
Genomic context (GRCh38, chr5:33,984,474, plus strand): 5'-GTCACATACGCTGCCTCCACCGCGTAGCAGAACTCTCTTCCGAACATGGCCATGCTGTGC[A>T]TGATGAGTCTGCTGGTGGGTCTTTTAGGCGGCTCCACAGAGTCAAAGGGGCCATCATCAG-3'
Protein context (NP_057264.4, residues 27-47): PPKRPTSRLI[Met37Lys]HSMAMFGREF